The following is an entry in ClinVar:

ClinVar aggregate classification (germline): Uncertain significance (1 of 4 stars; one submission).

Conditions:
Hereditary cancer-predisposing syndrome. Also called: Neoplastic Syndromes, Hereditary; Tumor predisposition; Hereditary neoplastic syndrome; Hereditary Cancer Syndrome. Identifiers: Orphanet 140162, MedGen C0027672, MeSH D009386, MONDO:0015356.
Cardiovascular phenotype. Identifiers: MedGen CN230736.

Submission:

Ambry Genetics
Classification: Uncertain significance for Cardiovascular phenotype; Hereditary cancer-predisposing syndrome. Last evaluated: 2021-08-12. Review status: criteria provided, single submitter. Criteria: Ambry Variant Classification Scheme 2023. Collection method: clinical testing. Allele origin: germline.
Comment: The p.I1818T variant (also known as c.5453T>C), located in coding exon 37 of the NF1 gene, results from a T to C substitution at nucleotide position 5453. The isoleucine at codon 1818 is replaced by threonine, an amino acid with similar properties. This amino acid position is highly conserved in available vertebrate species. In addition, this alteration is predicted to be deleterious by in silico analysis. Since supporting evidence is limited at this time, the clinical significance of this alteration remains unclear.

NM_001042492.3(NF1):c.5516T>C (p.Ile1839Thr)

Gene: NF1 (neurofibromin 1; plus strand). Cytogenetic location: 17q11.2.
Variant type: single nucleotide variant.
Coding change: c.5516T>C on transcript NM_001042492.3 (MANE Select); coding-DNA position 5516, T replaced by C.
Protein change: p.Ile1839Thr; replaces isoleucine 1839 with threonine.
Molecular consequence: missense variant.
Genome position (GRCh38, 1-based): chr17:31,327,746, T>C. VCF-style: chr17-31327746-T-C. GRCh37 (hg19) VCF-style: chr17-29654764-T-C.
Other names: c.5453T>C, p.Ile1818Thr (NM_000267.4); short protein forms I1818T, I1839T.
Identifiers: ClinVar variation 825748 (VCV000825748.4), dbSNP rs1597832296, ClinGen allele CA399009705.